The following is an entry in ClinVar:

NM_058246.4(DNAJB6):c.857C>T (p.Pro286Leu)

Gene: DNAJB6 (DnaJ heat shock protein family (Hsp40) member B6; plus strand). Cytogenetic location: 7q36.3.
Variant type: single nucleotide variant.
Coding change: c.857C>T on transcript NM_058246.4 (MANE Select); coding-DNA position 857, C replaced by T.
Protein change: p.Pro286Leu; replaces proline 286 with leucine.
Molecular consequence: missense variant.
Genome position (GRCh38, 1-based): chr7:157,409,960, C>T. VCF-style: chr7-157409960-C-T. GRCh37 (hg19) VCF-style: chr7-157202654-C-T.
Other names: c.512C>T, p.Pro171Leu (NM_001363676.1); short protein forms P286L, P171L.
Identifiers: ClinVar variation 290523 (VCV000290523.15), dbSNP rs886044476, ClinGen allele CA10606802.

ClinVar aggregate classification (germline): Uncertain significance. Review status: criteria provided, multiple submitters, no conflicts (2 of 4 stars). 4 submissions from 4 submitters: Uncertain significance (4). Last evaluated 2025-12-08.

Conditions:
Inborn genetic diseases. Identifiers: MedGen C0950123, MeSH D030342.
Autosomal dominant limb-girdle muscular dystrophy type 1D (DNAJB6) (LGMDD1). Also called: MUSCULAR DYSTROPHY, LIMB-GIRDLE, TYPE 1D; MUSCULAR DYSTROPHY, AUTOSOMAL DOMINANT, WITH RIMMED VACUOLES; Autosomal dominant limb-girdle muscular dystrophy type 1D; Muscular dystrophy, limb-girdle, autosomal dominant 1. Identifiers: Orphanet 34516, MedGen C4721885, MONDO:0021018, OMIM 603511.

Allele frequency attached by ClinVar (database versions not stated): gnomAD exomes 0.00001 and 0.00002; TOPMed 0.00002; gnomAD 0.00003.
gnomAD v4.1: 30 of 1,535,908 alleles (0.002%); highest among the groups gnomAD compares: Non-Finnish European, 0.0026%; no homozygotes.

Submissions (4):

Labcorp Genetics (formerly Invitae), Labcorp
Classification: Uncertain significance for Autosomal dominant limb-girdle muscular dystrophy type 1D (DNAJB6). Last evaluated: 2025-12-08. Review status: criteria provided, single submitter. Criteria: Invitae Variant Classification Sherloc (09022015). Collection method: clinical testing. Allele origin: germline.
Comment: This sequence change replaces proline, which is neutral and non-polar, with leucine, which is neutral and non-polar, at codon 286 of the DNAJB6 protein (p.Pro286Leu). The frequency data for this variant in the population databases is considered unreliable, as metrics indicate poor data quality at this position in the gnomAD database. This variant has not been reported in the literature in individuals affected with DNAJB6-related conditions. ClinVar contains an entry for this variant (Variation ID: 290523). Invitae Evidence Modeling of protein sequence and biophysical properties (such as structural, functional, and spatial information, amino acid conservation, physicochemical variation, residue mobility, and thermodynamic stability) indicates that this missense variant is not expected to disrupt DNAJB6 protein function with a negative predictive value of 95%. In summary, the available evidence is currently insufficient to determine the role of this variant in disease. Therefore, it has been classified as a Variant of Uncertain Significance.

Ambry Genetics
Classification: Uncertain significance for Inborn genetic diseases. Last evaluated: 2024-08-28. Review status: criteria provided, single submitter. Criteria: Ambry Variant Classification Scheme 2023. Collection method: clinical testing. Allele origin: germline.

Revvity Omics, Revvity
Classification: Uncertain significance for Autosomal dominant limb-girdle muscular dystrophy type 1D (DNAJB6). Last evaluated: 2023-04-18. Review status: criteria provided, single submitter. Criteria: ACMG Guidelines, 2015. Collection method: clinical testing. Allele origin: germline.

Eurofins Ntd Llc (ga)
Classification: Uncertain significance. Last evaluated: 2016-09-01. Review status: criteria provided, single submitter. Criteria: EGL Classification Definitions 2015. Collection method: clinical testing. Allele origin: germline. Observed: 1 variant allele, 1 heterozygote.